The following is an entry in ClinVar:

ClinVar aggregate classification (germline): Pathogenic (1 of 4 stars; one submission).

Conditions:
Neurofibromatosis, type 1 (NF1). Also called: Neurofibromatosis, type I; NEUROFIBROMATOSIS, TYPE I, SOMATIC; Peripheral type neurofibromatosis; VON RECKLINGHAUSEN DISEASE. Identifiers: Orphanet 636, MedGen C0027831, MONDO:0018975, OMIM 162200. Disease mechanism: loss of function.

Submission:

Labcorp Genetics (formerly Invitae), Labcorp
Classification: Pathogenic for Neurofibromatosis, type 1. Last evaluated: 2020-08-12. Review status: criteria provided, single submitter. Criteria: Invitae Variant Classification Sherloc (09022015). Collection method: clinical testing. Allele origin: germline.
Comment: Algorithms developed to predict the effect of missense changes on protein structure and function are either unavailable or do not agree on the potential impact of this missense change (SIFT: "Deleterious"; PolyPhen-2: "Probably Damaging"; Align-GVGD: "Class C0"). Experimental studies have shown that this variant disrupts mRNA splicing (Invitae). This variant disrupts the c.6755A nucleotide in the NF1 gene. Other variant(s) that disrupt this nucleotide have been determined to be pathogenic (PMID: 31766501, Invitae). This suggests that this nucleotide is clinically significant, and that variants that disrupt this position are likely to be disease-causing. For these reasons, this variant has been classified as Pathogenic. This variant has been observed in individual(s) with neurofibromatosis type 1 (PMID: 25325900, Invitae). It has also been observed to segregate with disease in related individuals. This sequence change replaces lysine with methionine at codon 2252 of the NF1 protein (p.Lys2252Met). The lysine residue is moderately conserved and there is a moderate physicochemical difference between lysine and methionine. This variant is not present in population databases (ExAC no frequency).

Literature cited by the submitters: PubMed 31766501; PubMed 25325900.

NM_001042492.3(NF1):c.6818A>T (p.Lys2273Met)

Gene: NF1 (neurofibromin 1; plus strand). Cytogenetic location: 17q11.2.
Variant type: single nucleotide variant.
Coding change: c.6818A>T on transcript NM_001042492.3 (MANE Select); coding-DNA position 6818, A replaced by T.
Protein change: p.Lys2273Met; replaces lysine 2273 with methionine.
Molecular consequence: missense variant.
Genome position (GRCh38, 1-based): chr17:31,338,138, A>T. VCF-style: chr17-31338138-A-T. GRCh37 (hg19) VCF-style: chr17-29665156-A-T.
Other names: c.6755A>T, p.Lys2252Met (NM_000267.4); short protein forms K2252M, K2273M.
Identifiers: ClinVar variation 404556 (VCV000404556.5), dbSNP rs1060500344, ClinGen allele CA16615576.